The following is an entry in ClinVar:

ClinVar aggregate classification (germline): Uncertain significance (1 of 4 stars; one submission).

Submission:

Labcorp Genetics (formerly Invitae), Labcorp
Classification: Uncertain significance. Last evaluated: 2022-11-28. Review status: criteria provided, single submitter. Criteria: Invitae Variant Classification Sherloc (09022015). Collection method: clinical testing. Allele origin: germline.
Comment: In summary, the available evidence is currently insufficient to determine the role of this variant in disease. Therefore, it has been classified as a Variant of Uncertain Significance. This sequence change creates a premature translational stop signal (p.Gly1213Asnfs*6) in the ALPK1 gene. It is expected to result in an absent or disrupted protein product. However, the current clinical and genetic evidence is not sufficient to establish whether loss-of-function variants in ALPK1 cause disease. This variant is present in population databases (rs772790120, gnomAD 0.0009%). This variant has not been reported in the literature in individuals affected with ALPK1-related conditions. Algorithms developed to predict the effect of sequence changes on RNA splicing suggest that this variant may disrupt the consensus splice site.

NM_025144.4(ALPK1):c.3636_3637del (p.Gly1213fs)

Gene: ALPK1 (alpha kinase 1; plus strand). Cytogenetic location: 4q25.
Variant type: Microsatellite.
Coding change: c.3636_3637del on transcript NM_025144.4 (MANE Select); coding-DNA positions 3636 to 3637, 2 bases deleted (AG; older notation c.3636_3637delAG).
Protein change: p.Gly1213fs; shifts the reading frame from glycine 1213.
Molecular consequence: frameshift variant.
Genome position (GRCh38, 1-based): chr4:112,441,014-112,441,015, AG deleted; deleting any 2 consecutive bases within chr4:112,441,010-112,441,015 gives the same sequence; the c. name uses the placement nearest the transcript's 3' end. VCF-style (leftmost placement, unchanged base first): chr4-112441009-AAG-A. GRCh37 (hg19) VCF-style: chr4-113362165-AAG-A.
Other names: c.3636_3637del, p.Gly1213fs (NM_001102406.2); c.3402_3403del, p.Gly1135fs (NM_001253884.2); short protein forms G1135fs, G1213fs.
Identifiers: ClinVar variation 2805669 (VCV002805669.3), dbSNP rs772790120, ClinGen allele CA3047244.